The following is an entry in ClinVar:

NM_012293.3(PXDN):c.1113G>A (p.Pro371=)

Gene: PXDN (peroxidasin; minus strand). Cytogenetic location: 2p25.3.
Variant type: single nucleotide variant.
Coding change: c.1113G>A on transcript NM_012293.3 (MANE Select); coding-DNA position 1113, G replaced by A.
Protein change: p.Pro371=; no amino-acid change (proline 371 retained).
Molecular consequence: synonymous variant.
Genome position (GRCh38, 1-based): chr2:1,666,392, C>T on the plus strand (G>A on the coding strand, the complement: PXDN is on the minus strand). VCF-style: chr2-1666392-C-T. GRCh37 (hg19) VCF-style: chr2-1670164-C-T.
Identifiers: ClinVar variation 471910 (VCV000471910.27), dbSNP rs200996147, ClinGen allele CA1513431.

ClinVar aggregate classification (germline): Benign/Likely benign. Review status: criteria provided, multiple submitters, no conflicts (2 of 4 stars). 4 submissions from 4 submitters: Benign (2); Likely benign (2). Last evaluated 2025-10-26.

Conditions:
Anterior segment dysgenesis 7 (ASGD7). Also called: SCLEROCORNEA WITH OTHER OCULAR ANOMALIES; Anterior segment dysgenesis 7, with sclerocornea. Identifiers: Orphanet 289499, MedGen C3151617, MONDO:0010015, OMIM 269400.

Allele frequency attached by ClinVar (database versions not stated): gnomAD exomes 0.00046 and 0.00105; ExAC 0.00124; ESP Exome Variant Server 0.00342; gnomAD 0.00374 and 0.00399; TOPMed 0.00440; 1000 Genomes Project 0.00459; 1000 Genomes Project 30x 0.00468.
gnomAD v4.1: 1,271 of 1,612,372 alleles (0.079%); highest among the groups gnomAD compares: African/African-American, 1.5%; 12 homozygotes.

Submissions (4):

Labcorp Genetics (formerly Invitae), Labcorp
Classification: Benign for Anterior segment dysgenesis 7. Last evaluated: 2025-10-26. Review status: criteria provided, single submitter. Criteria: Invitae Variant Classification Sherloc (09022015). Collection method: clinical testing. Allele origin: germline.

CeGaT Center for Human Genetics Tuebingen
Classification: Likely benign. Last evaluated: 2024-10-01. Review status: criteria provided, single submitter. Criteria: CeGaT Center For Human Genetics Tuebingen Variant Classification Criteria Version 2. Collection method: clinical testing. Allele origin: germline. Affected: yes. Observed: 1 variant allele.
Comment: PXDN: BP4, BP7, BS1

Blueprint Genetics
Classification: Likely benign. Last evaluated: 2024-09-16. Review status: criteria provided, single submitter. Criteria: ACMG Guidelines, 2015. Collection method: clinical testing. Allele origin: germline.

Breakthrough Genomics
Classification: Benign. Review status: criteria provided, single submitter. Criteria: ACMG Guidelines, 2015. Collection method: not provided. Allele origin: germline. Inheritance: Autosomal recessive inheritance. Affected: yes.